The following is an entry in ClinVar:

ClinVar aggregate classification (germline): Likely pathogenic (1 of 4 stars; one submission).

Submission:

GeneDx
Classification: Likely pathogenic. Last evaluated: 2018-12-10. Review status: criteria provided, single submitter. Criteria: GeneDx Variant Classification (06012015). Collection method: clinical testing. Allele origin: germline. Affected: yes.
Comment: The c.131+2_c.131+3insAlu variant in the SLC26A3 gene has not been reported previously as a pathogenic variant, nor as a benign variant, to our knowledge. Mobile insertion elements, including retrotransposon-mediated events such as Alu inserts, are estimated to account for 1 in 600 disease causing variants (Kazazian et al., 2000). Therefore, we interpret c.131+2_c.131+3insAlu as a likely pathogenic variant.

NM_000111.2:c.131+2_131+3insAlu

Gene: SLC26A3 (solute carrier family 26 member 3; minus strand). Cytogenetic location: 7q22.3-31.1.
Variant type: Insertion.
Identifiers: ClinVar variation 801008 (VCV000801008.1).